The following is an entry in ClinVar:

NM_000059.4(BRCA2):c.10240A>G (p.Thr3414Ala)

Gene: BRCA2 (BRCA2 DNA repair associated; plus strand). Cytogenetic location: 13q13.1.
Variant type: single nucleotide variant.
Coding change: c.10240A>G on transcript NM_000059.4 (MANE Select); coding-DNA position 10240, A replaced by G.
Protein change: p.Thr3414Ala; replaces threonine 3414 with alanine.
Molecular consequence: missense variant.
Genome position (GRCh38, 1-based): chr13:32,398,753, A>G. VCF-style: chr13-32398753-A-G. GRCh37 (hg19) VCF-style: chr13-32972890-A-G.
Other names: p.T3414A:ACT>GCT; short protein forms T3414A.
Identifiers: ClinVar variation 91744 (VCV000091744.39), dbSNP rs80358405, ClinGen allele CA010554.

ClinVar aggregate classification (germline): Conflicting classifications of pathogenicity. Review status: criteria provided, conflicting classifications (1 of 4 stars). 11 submissions from 11 submitters: Uncertain significance (2); Likely benign (6). 3 of the submissions do not count toward it. Last evaluated 2026-05-28.

Conditions:
Hereditary cancer-predisposing syndrome. Also called: Neoplastic Syndromes, Hereditary; Hereditary neoplastic syndrome; Hereditary Cancer Syndrome; Tumor predisposition. Identifiers: Orphanet 140162, MedGen C0027672, MeSH D009386, MONDO:0015356.
Hereditary breast ovarian cancer syndrome. Also called: Hereditary breast and/or ovarian cancer syndrome; Hereditary breast and ovarian cancer syndrome (HBOC); Breast and ovarian cancer; Hereditary breast and ovarian cancer syndrome; Hereditary breast and ovarian cancer; BRCA1- and BRCA2-Associated Hereditary Breast and Ovarian Cancer. Identifiers: Orphanet 145, MedGen C0677776, MeSH D061325, MONDO:0003582. Disease mechanism: loss of function.
Breast-ovarian cancer, familial, susceptibility to, 2 (BROVCA2). Also called: BRCA2 Hereditary Breast and Ovarian Cancer. Identifiers: Orphanet 145, MedGen C2675520, MONDO:0012933, OMIM 612555. Disease mechanism: loss of function.

Allele frequency attached by ClinVar (database versions not stated): gnomAD 0.00002; ESP Exome Variant Server 0.00008; ExAC 0.00002; gnomAD exomes 0.00002; TOPMed 0.00002.
gnomAD v4.1: 10 of 1,613,824 alleles (0.00062%); highest among the groups gnomAD compares: Non-Finnish European, 0.00085%; no homozygotes.

Submissions (11):

Women's Health and Genetics/Laboratory Corporation of America, LabCorp
Classification: Uncertain significance. Last evaluated: 2026-05-28. Review status: criteria provided, single submitter. Criteria: LabCorp Variant Classification Summary - May 2015. Collection method: clinical testing. Allele origin: germline.
Comment: Variant summary: BRCA2 c.10240A>G (p.Thr3414Ala) results in a non-conservative amino acid change in the encoded protein sequence. Algorithms developed to predict the effect of missense changes on protein structure and function are either unavailable or do not agree on the potential impact of this missense change. The variant allele was found at a frequency of 2.4e-05 in 250592 control chromosomes. The available data on variant occurrences in the general population are insufficient to allow any conclusion about variant significance. c.10240A>G has been observed in individuals affected with breast cancer without strong evidence of causality (Riahi_2015, Zhang_2018). These reports do not provide unequivocal conclusions about association of the variant with Hereditary Breast And Ovarian Cancer Syndrome. To our knowledge, no experimental evidence demonstrating an impact on protein function has been reported. The following publications have been ascertained in the context of this evaluation (PMID: 24372583, 29905759). ClinVar contains an entry for this variant (Variation ID: 91744). Based on the evidence outlined above, the variant was classified as uncertain significance.

Labcorp Genetics (formerly Invitae), Labcorp
Classification: Likely benign for Hereditary breast ovarian cancer syndrome. Last evaluated: 2026-01-26. Review status: criteria provided, single submitter. Criteria: Invitae Variant Classification Sherloc (09022015). Collection method: clinical testing. Allele origin: germline.

All of Us Research Program, National Institutes of Health
Classification: Likely benign for Breast-ovarian cancer, familial, susceptibility to, 2. Last evaluated: 2023-12-01. Review status: criteria provided, single submitter. Criteria: ACMG Guidelines, 2015. Collection method: clinical testing. Allele origin: germline. Inheritance: Autosomal dominant inheritance. Observed: 4 variant alleles, 4 heterozygotes.
Comment: This study involves interpretation of variants in research participants for the purpose of population health screening. Participant phenotype was not available at the time of variant classification. Additional details can be found in publication PMID: 35346344, PMCID: PMC8962531

Quest Diagnostics Nichols Institute San Juan Capistrano
Classification: Likely benign. Last evaluated: 2023-08-24. Review status: criteria provided, single submitter. Criteria: Quest Diagnostics criteria. Collection method: clinical testing. Allele origin: unknown.

Color Diagnostics, LLC DBA Color Health
Classification: Likely benign for Hereditary cancer-predisposing syndrome. Last evaluated: 2021-07-26. Review status: criteria provided, single submitter. Criteria: ACMG Guidelines, 2015. Collection method: clinical testing. Allele origin: germline.

GeneDx
Classification: Likely benign. Last evaluated: 2020-12-04. Review status: criteria provided, single submitter. Criteria: GeneDx Variant Classification Process June 2021. Collection method: clinical testing. Allele origin: germline. Affected: yes.
Comment: This variant is associated with the following publications: (PMID: 24372583, 28814288, 27211102)

ARUP Laboratories, Molecular Genetics and Genomics, ARUP Laboratories
Classification: Uncertain significance. Last evaluated: 2018-08-27. Review status: criteria provided, single submitter. Criteria: ARUP Molecular Germline Variant Investigation Process. Collection method: clinical testing. Allele origin: germline.
Comment: The BRCA2 c.10240A>G; p.Thr3414Alavariant (rs80358405) is reported in the literature in two families with a history of breast and ovarian cancer (Riahi 2015). This variant is reported in ClinVar (Variation ID: 91744) and is found in the non-Finnish European population with an overall allele frequency of 0.006% (8/126308 alleles) in the Genome Aggregation Database. The threonine at codon 3414 is weakly conserved, and computational analyses (SIFT: tolerated, PolyPhen-2: damaging) predict conflicting effects of this variant on protein structure/function. Due to limited information, the clinical significance of the p.Thr3414Ala variant is uncertain at this time. References: Riahi A et al. Mutation spectrum and prevalence of BRCA1 and BRCA2 genes in patients with familial and early-onset breast/ovarian cancer from Tunisia. Clin Genet. 2015 Feb;87(2):155-60.

Ambry Genetics
Classification: Likely benign for Hereditary cancer-predisposing syndrome. Last evaluated: 2018-05-18. Review status: criteria provided, single submitter. Criteria: Ambry Variant Classification Scheme 2023. Collection method: clinical testing. Allele origin: germline.

Counsyl
Classification: Uncertain significance for Breast-ovarian cancer, familial, susceptibility to, 2. Last evaluated: 2016-10-11. Review status: no assertion criteria provided. Collection method: clinical testing. Allele origin: unknown. Not counted in ClinVar's aggregate classification.

Sharing Clinical Reports Project (SCRP)
Classification: Likely benign for Breast-ovarian cancer, familial 2. Last evaluated: 2007-07-09. Review status: no assertion criteria provided. Collection method: clinical testing. Allele origin: germline. Not counted in ClinVar's aggregate classification.

Breast Cancer Information Core (BIC) (BRCA2)
Classification: Uncertain significance for Breast-ovarian cancer, familial 2. Last evaluated: 2002-05-29. Review status: no assertion criteria provided. Collection method: clinical testing. Allele origin: germline. Affected: yes. Observed: 6 variant alleles. Not counted in ClinVar's aggregate classification.

Literature cited by the submitters: PubMed 24372583 (cited by 4 submitters); PubMed 29905759 (cited by Women's Health and Genetics/Laboratory Corporation of America, LabCorp); PubMed 28814288 (cited by Quest Diagnostics Nichols Institute San Juan Capistrano); PubMed 27211102 (cited by Quest Diagnostics Nichols Institute San Juan Capistrano and Counsyl); PubMed 31853058 (cited by Quest Diagnostics Nichols Institute San Juan Capistrano).